The following is an entry in ClinVar:

NM_001012759.3(CTU2):c.1531G>A (p.Glu511Lys)

Gene: CTU2 (cytosolic thiouridylase subunit 2; plus strand). Cytogenetic location: 16q24.3.
Variant type: single nucleotide variant.
Coding change: c.1531G>A on transcript NM_001012759.3 (MANE Select); coding-DNA position 1531, G replaced by A.
Protein change: p.Glu511Lys; replaces glutamic acid 511 with lysine.
Molecular consequence: missense variant. On other transcripts: 3 prime UTR variant (1).
Genome position (GRCh38, 1-based): chr16:88,715,234, G>A. VCF-style: chr16-88715234-G-A. GRCh37 (hg19) VCF-style: chr16-88781642-G-A.
Other names: c.*14G>A (NM_001012762.3); c.1744G>A, p.Glu582Lys (NM_001318507.2); c.1270G>A, p.Glu424Lys (NM_001318513.2); short protein forms E424K, E511K, E582K.
Identifiers: ClinVar variation 1204228 (VCV001204228.13), dbSNP rs201215099, ClinGen allele CA8231251.

ClinVar aggregate classification (germline): Conflicting classifications of pathogenicity. Review status: criteria provided, conflicting classifications (1 of 4 stars). 4 submissions from 4 submitters: Uncertain significance (2); Benign (1). 1 of the submissions does not count toward it. Last evaluated 2025-11-10.

Conditions:
CTU2-related disorder. Also called: CTU2-related condition.

Allele frequency attached by ClinVar (database versions not stated): gnomAD exomes 0.00022 and 0.00054; ExAC 0.00058; 1000 Genomes Project 30x 0.00125; 1000 Genomes Project 0.00160; gnomAD 0.00206 and 0.00226; ESP Exome Variant Server 0.00231; TOPMed 0.00244.
gnomAD v4.1: 678 of 1,612,108 alleles (0.042%); highest among the groups gnomAD compares: African/African-American, 0.7%; 3 homozygotes.

Submissions (4):

Labcorp Genetics (formerly Invitae), Labcorp
Classification: Benign. Last evaluated: 2025-11-10. Review status: criteria provided, single submitter. Criteria: Invitae Variant Classification Sherloc (09022015). Collection method: clinical testing. Allele origin: germline.

GeneDx
Classification: Uncertain significance. Last evaluated: 2022-11-03. Review status: criteria provided, single submitter. Criteria: GeneDx Variant Classification Process June 2021. Collection method: clinical testing. Allele origin: germline. Affected: yes.
Comment: In silico analysis, which includes protein predictors and evolutionary conservation, supports that this variant does not alter protein structure/function; Has not been previously published as pathogenic or benign to our knowledge

Breakthrough Genomics
Classification: Uncertain significance. Review status: criteria provided, single submitter. Criteria: ACMG Guidelines, 2015. Collection method: not provided. Allele origin: germline. Inheritance: Autosomal recessive inheritance. Affected: yes.

PreventionGenetics, part of Exact Sciences
Classification: Likely benign for CTU2-related condition. Last evaluated: 2019-04-04. Review status: no assertion criteria provided. Collection method: clinical testing. Allele origin: germline. Not counted in ClinVar's aggregate classification.
Comment: This variant is classified as likely benign based on ACMG/AMP sequence variant interpretation guidelines (Richards et al. 2015 PMID: 25741868, with internal and published modifications).